The following is an entry in ClinVar:

ClinVar aggregate classification (germline): Uncertain significance (1 of 4 stars; one submission).

Conditions:
Developmental and epileptic encephalopathy, 1 (DEE1). Also called: OHTAHARA SYNDROME, X-LINKED; Epileptic encephalopathy, early infantile, 1; X-linked infantile spasms; West's syndrome; Tonic spasms with clustering, arrest of psychomotor development and hypsarrhythmia on EEG; X-Linked Infantile Spasm Syndrome. Identifiers: MedGen C3463992, MONDO:0010632, OMIM 308350. Disease mechanism: loss of function.
Intellectual disability, X-linked, with or without seizures, ARX-related. Also called: Mental retardation, X-linked 52; INTELLECTUAL DEVELOPMENTAL DISORDER, X-LINKED 29; MENTAL RETARDATION, X-LINKED 29; MENTAL RETARDATION, X-LINKED 32; MENTAL RETARDATION, X-LINKED 33; MENTAL RETARDATION, X-LINKED 38. Identifiers: Orphanet 777, MedGen C0796244, MONDO:0010317, OMIM 300419.

gnomAD v4.1: 1 of 1,202,649 alleles (0.000083%); no homozygotes.

Submission:

Labcorp Genetics (formerly Invitae), Labcorp
Classification: Uncertain significance for Developmental and epileptic encephalopathy, 1; Intellectual disability, X-linked, with or without seizures, ARX-related. Last evaluated: 2022-06-04. Review status: criteria provided, single submitter. Criteria: Invitae Variant Classification Sherloc (09022015). Collection method: clinical testing. Allele origin: germline.
Comment: This sequence change replaces alanine, which is neutral and non-polar, with proline, which is neutral and non-polar, at codon 302 of the ARX protein (p.Ala302Pro). This variant is not present in population databases (gnomAD no frequency). This variant has not been reported in the literature in individuals affected with ARX-related conditions. ClinVar contains an entry for this variant (Variation ID: 568505). Advanced modeling of protein sequence and biophysical properties (such as structural, functional, and spatial information, amino acid conservation, physicochemical variation, residue mobility, and thermodynamic stability) performed at Invitae indicates that this missense variant is not expected to disrupt ARX protein function. In summary, the available evidence is currently insufficient to determine the role of this variant in disease. Therefore, it has been classified as a Variant of Uncertain Significance.

NM_139058.3(ARX):c.904G>C (p.Ala302Pro)

Gene: ARX (aristaless related homeobox; minus strand). Cytogenetic location: Xp21.3.
Variant type: single nucleotide variant.
Coding change: c.904G>C on transcript NM_139058.3 (MANE Select); coding-DNA position 904, G replaced by C.
Protein change: p.Ala302Pro; replaces alanine 302 with proline.
Molecular consequence: missense variant.
Genome position (GRCh38, 1-based): chrX:25,013,091, C>G on the plus strand (G>C on the coding strand, the complement: ARX is on the minus strand). VCF-style: chrX-25013091-C-G. GRCh37 (hg19) VCF-style: chrX-25031208-C-G.
Other names: short protein forms A302P.
Identifiers: ClinVar variation 568505 (VCV000568505.8), dbSNP rs146224124, ClinGen allele CA412612198.